The following is an entry in ClinVar:

NM_001291303.3(FAT4):c.1687G>C (p.Val563Leu)

Gene: FAT4 (FAT atypical cadherin 4; plus strand). Cytogenetic location: 4q28.1.
Variant type: single nucleotide variant.
Coding change: c.1687G>C on transcript NM_001291303.3 (MANE Select); coding-DNA position 1687, G replaced by C.
Protein change: p.Val563Leu; replaces valine 563 with leucine.
Molecular consequence: missense variant. On other transcripts: intron variant (1).
Genome position (GRCh38, 1-based): chr4:125,318,098, G>C. VCF-style: chr4-125318098-G-C. GRCh37 (hg19) VCF-style: chr4-126239253-G-C.
Other names: c.1687G>C, p.Val563Leu (NM_001291285.3, NM_001438396.1, NM_001438397.1 and 1 more transcripts); c.-55+2121G>C (NM_001437895.1); short protein forms V563L.
Identifiers: ClinVar variation 4984796 (VCV004984796.1).

ClinVar aggregate classification (germline): Uncertain significance (1 of 4 stars; one submission).

Conditions:
FAT4-related disorder. Also called: FAT4-related condition.

gnomAD v4.1: 12 of 1,614,020 alleles (0.00074%); highest among the groups gnomAD compares: African/African-American, 0.011%; no homozygotes.

Submission:

PreventionGenetics, part of Exact Sciences
Classification: Uncertain significance for FAT4-related condition. Last evaluated: 2024-10-14. Review status: criteria provided, single submitter. Criteria: ACMG Guidelines, 2015. Collection method: clinical testing. Allele origin: germline.
Comment: The FAT4 c.1687G>C variant is predicted to result in the amino acid substitution p.Val563Leu. To our knowledge, this variant has not been reported in the literature. This variant is reported in 0.0041% of alleles in individuals of African descent in gnomAD. At this time, the clinical significance of this variant is uncertain due to the absence of conclusive functional and genetic evidence.